The following is an entry in ClinVar:

NM_006204.4(PDE6C):c.387C>T (p.Gly129=)

Gene: PDE6C (phosphodiesterase 6C; plus strand). Cytogenetic location: 10q23.33.
Variant type: single nucleotide variant.
Coding change: c.387C>T on transcript NM_006204.4 (MANE Select); coding-DNA position 387, C replaced by T.
Protein change: p.Gly129=; no amino-acid change (glycine 129 retained).
Molecular consequence: synonymous variant.
Genome position (GRCh38, 1-based): chr10:93,613,112, C>T. VCF-style: chr10-93613112-C-T. GRCh37 (hg19) VCF-style: chr10-95372869-C-T.
Identifiers: ClinVar variation 4997203 (VCV004997203.1).

ClinVar aggregate classification (germline): Uncertain significance (1 of 4 stars; one submission).

Conditions:
PDE6C-related disorder. Also called: PDE6C-related condition.

gnomAD v4.1: 1 of 1,614,124 alleles (0.000062%); highest among the groups gnomAD compares: Non-Finnish European, 0.000085%; no homozygotes.

Submission:

PreventionGenetics, part of Exact Sciences
Classification: Uncertain significance for PDE6C-related condition. Last evaluated: 2024-12-10. Review status: criteria provided, single submitter. Criteria: ACMG Guidelines, 2015. Collection method: clinical testing. Allele origin: germline.
Comment: The PDE6C c.387C>T variant is not predicted to result in an amino acid change (p.=). This variant is predicted to alter splicing based on available splicing prediction programs (SpliceAI, Jaganathan et al. 2019. PubMed ID: 30661751). However, the use of computer prediction programs is not equivalent to functional evidence. To our knowledge, this variant has not been reported in the literature or in a large population database (gnomAD), indicating this variant is rare. At this time, the clinical significance of this variant is uncertain due to the absence of conclusive functional and genetic evidence.